The following is an entry in ClinVar:

NM_000038.6(APC):c.3199_3200del (p.Gln1067fs)

Gene: APC (APC regulator of Wnt signaling pathway; plus strand). Cytogenetic location: 5q22.2.
Variant type: Deletion.
Coding change: c.3199_3200del on transcript NM_000038.6 (MANE Select); coding-DNA positions 3199 to 3200, 2 bases deleted (CA; older notation c.3199_3200delCA).
Protein change: p.Gln1067fs; shifts the reading frame from glutamine 1067.
Molecular consequence: frameshift variant. On other transcripts: non-coding transcript variant (2).
Genome position (GRCh38, 1-based): chr5:112,838,793-112,838,794, CA deleted; deleting any 2 consecutive bases within chr5:112,838,792-112,838,794 gives the same sequence; the c. name uses the placement nearest the transcript's 3' end. VCF-style (leftmost placement, unchanged base first): chr5-112838791-GAC-G. GRCh37 (hg19) VCF-style: chr5-112174488-GAC-G.
Other names: c.3169_3170del, p.Gln1057fs (NM_001407452.1); c.3022_3023del, p.Gln1008fs (NM_001407453.1, NM_001354901.2); c.2950_2951del, p.Gln984fs (NM_001407454.1, NM_001407455.1, NM_001407456.1 and 1 more transcripts); c.2896_2897del, p.Gln966fs (NM_001407458.1, NM_001407459.1, NM_001407460.1 and 1 more transcripts); c.2812_2813del, p.Gln938fs (NM_001407467.1, NM_001407469.1); c.3199_3200delCA (NM_000038.5); c.2350_2351del, p.Gln784fs (NM_001407470.1, NM_001354906.2); c.2047_2048del, p.Gln683fs (NM_001407471.1, NM_001407472.1); and 12 more; short protein forms Q1008fs, Q1026fs, Q1039fs, Q1042fs, Q1049fs, Q1057fs, Q1060fs, Q1067fs.
Identifiers: ClinVar variation 2584012 (VCV002584012.2), dbSNP rs2533478984, ClinGen allele CA2582341493.

ClinVar aggregate classification (germline): Pathogenic/Likely pathogenic. Review status: criteria provided, multiple submitters, no conflicts (2 of 4 stars). 2 submissions from 2 submitters: Pathogenic (1); Likely pathogenic (1). Last evaluated 2026-04-24.

Conditions:
Hereditary cancer-predisposing syndrome. Also called: Neoplastic Syndromes, Hereditary; Tumor predisposition; Hereditary Cancer Syndrome; Hereditary neoplastic syndrome. Identifiers: Orphanet 140162, MedGen C0027672, MeSH D009386, MONDO:0015356.
Familial adenomatous polyposis 1 (FAP1). Also called: FAMILIAL ADENOMATOUS POLYPOSIS 1, ATTENUATED; POLYPOSIS, ADENOMATOUS INTESTINAL. Identifiers: MedGen C2713442, MONDO:0021056, OMIM 175100. Disease mechanism: loss of function.

Submissions (2):

Ambry Genetics
Classification: Likely pathogenic for Hereditary cancer-predisposing syndrome. Last evaluated: 2026-04-24. Review status: criteria provided, single submitter. Criteria: Ambry Variant Classification Scheme 2023. Collection method: clinical testing. Allele origin: germline.
Comment: The c.3199_3200delCA variant, located in coding exon 15 of the APC gene, results from a deletion of two nucleotides at nucleotide positions 3199 to 3200, causing a translational frameshift with a predicted alternate stop codon (p.Q1067Ifs*13). This variant occurs at the 3' terminus of the gene, is not expected to trigger nonsense-mediated mRNA decay, and impacts the last 62% of the protein. However, premature stop codons are typically deleterious in nature and a significant portion of the protein is affected and the impacted region is critical for protein function (Ambry internal data). This variant was reported in individual(s) with features consistent with APC-related familial adenomatous polyposis (Bapat B et al. Hum Mutat, 1994;4:253-6). This variant is considered to be rare based on population cohorts in the Genome Aggregation Database (gnomAD). Based on the majority of available evidence to date, this variant is likely to be pathogenic.

Myriad Genetics, Inc.
Classification: Pathogenic for Familial adenomatous polyposis 1. Last evaluated: 2023-05-08. Review status: criteria provided, single submitter. Criteria: Myriad Autosomal Dominant, Autosomal Recessive and X-Linked Classification Criteria (2023). Collection method: clinical testing. Allele origin: unknown.
Comment: This variant is considered pathogenic. This variant creates a frameshift predicted to result in premature protein truncation.

Literature cited by the submitters: PubMed 7866403 (cited by Ambry Genetics).